The following is an entry in ClinVar:

NM_015311.3(OBSL1):c.433G>A (p.Val145Met)

Gene: OBSL1 (obscurin like cytoskeletal adaptor 1; minus strand). Cytogenetic location: 2q35.
Variant type: single nucleotide variant.
Coding change: c.433G>A on transcript NM_015311.3 (MANE Select); coding-DNA position 433, G replaced by A.
Protein change: p.Val145Met; replaces valine 145 with methionine.
Molecular consequence: missense variant.
Genome position (GRCh38, 1-based): chr2:219,570,800, C>T on the plus strand (G>A on the coding strand, the complement: OBSL1 is on the minus strand). VCF-style: chr2-219570800-C-T. GRCh37 (hg19) VCF-style: chr2-220435522-C-T.
Other names: c.433G>A, p.Val145Met (NM_001173408.2, NM_001173431.2); short protein forms V145M.
Identifiers: ClinVar variation 2976734 (VCV002976734.3), dbSNP rs759991135, ClinGen allele CA2131797.
Genomic context (GRCh38, chr2:219,570,800, plus strand): 5'-CGTCCTTCTCCCAGTACAGTGTGGGCTCGGGGAGGCCCCCCGCCCGGCACGTCAGCACCA[C>T]CTCCGCCCCCCGCAGCACCCACTGGGATCGAGGCCCCGTGAGGAAGACCGGGGCGCCCTC-3'
Protein context (NP_056126.1, residues 135-155): RSQWVLRGAE[Val145Met]VLTCRAGGLP

ClinVar aggregate classification (germline): Uncertain significance (1 of 4 stars; one submission).

Allele frequency attached by ClinVar (database versions not stated): gnomAD exomes below 0.00001; TOPMed below 0.00001; ExAC 0.00007.
gnomAD v4.1: 3 of 1,492,170 alleles (0.0002%); highest among the groups gnomAD compares: Non-Finnish European, 0.00018%; no homozygotes.

Submission:

Labcorp Genetics (formerly Invitae), Labcorp
Classification: Uncertain significance. Last evaluated: 2023-11-01. Review status: criteria provided, single submitter. Criteria: Invitae Variant Classification Sherloc (09022015). Collection method: clinical testing. Allele origin: germline.
Comment: This sequence change replaces valine, which is neutral and non-polar, with methionine, which is neutral and non-polar, at codon 145 of the OBSL1 protein (p.Val145Met). The frequency data for this variant in the population databases is considered unreliable, as metrics indicate poor data quality at this position in the gnomAD database. This variant has not been reported in the literature in individuals affected with OBSL1-related conditions. An algorithm developed to predict the effect of missense changes on protein structure and function (PolyPhen-2) suggests that this variant is likely to be disruptive. In summary, the available evidence is currently insufficient to determine the role of this variant in disease. Therefore, it has been classified as a Variant of Uncertain Significance.